The following is an entry in ClinVar:

ClinVar aggregate classification (germline): Likely benign (0 of 4 stars; one submission).

Conditions:
TUB-related disorder. Also called: TUB-related condition.

gnomAD v4.1: 2 of 1,614,172 alleles (0.00012%); highest among the groups gnomAD compares: South Asian, 0.0022%; no homozygotes.

Submission:

PreventionGenetics, part of Exact Sciences
Classification: Likely benign for TUB-related condition. Last evaluated: 2024-04-13. Review status: no assertion criteria provided. Collection method: clinical testing. Allele origin: germline.
Comment: This variant is classified as likely benign based on ACMG/AMP sequence variant interpretation guidelines (Richards et al. 2015 PMID: 25741868, with internal and published modifications).

NM_177972.3(TUB):c.1233A>G (p.Leu411=)

Genes: RIC3 (RIC3 acetylcholine receptor chaperone; minus strand), TUB (TUB bipartite transcription factor; plus strand). Cytogenetic location: 11p15.4.
Variant type: single nucleotide variant.
Coding change: c.1233A>G on transcript NM_177972.3 (MANE Select); coding-DNA position 1233, A replaced by G.
Protein change: p.Leu411=; no amino-acid change (leucine 411 retained).
Molecular consequence: synonymous variant.
Genome position (GRCh38, 1-based): chr11:8,100,843, A>G. VCF-style: chr11-8100843-A-G. GRCh37 (hg19) VCF-style: chr11-8122390-A-G.
Other names: c.1398A>G, p.Leu466= (NM_003320.5).
Identifiers: ClinVar variation 3346401 (VCV003346401.1).